The following is an entry in ClinVar:

ClinVar aggregate classification (germline): Uncertain significance (1 of 4 stars; one submission).

Submission:

Labcorp Genetics (formerly Invitae), Labcorp
Classification: Uncertain significance. Last evaluated: 2024-02-14. Review status: criteria provided, single submitter. Criteria: Invitae Variant Classification Sherloc (09022015). Collection method: clinical testing. Allele origin: germline.
Comment: This sequence change replaces serine, which is neutral and polar, with glycine, which is neutral and non-polar, at codon 906 of the CLTC protein (p.Ser906Gly). This variant is not present in population databases (gnomAD no frequency). This variant has not been reported in the literature in individuals affected with CLTC-related conditions. Advanced modeling of protein sequence and biophysical properties (such as structural, functional, and spatial information, amino acid conservation, physicochemical variation, residue mobility, and thermodynamic stability) performed at Invitae indicates that this missense variant is not expected to disrupt CLTC protein function with a negative predictive value of 80%. In summary, the available evidence is currently insufficient to determine the role of this variant in disease. Therefore, it has been classified as a Variant of Uncertain Significance.

NM_004859.4(CLTC):c.2704A>G (p.Ser902Gly)

Gene: CLTC (clathrin heavy chain; plus strand). Cytogenetic location: 17q23.1.
Variant type: single nucleotide variant.
Coding change: c.2704A>G on transcript NM_004859.4 (MANE Select); coding-DNA position 2704, A replaced by G.
Protein change: p.Ser902Gly; replaces serine 902 with glycine.
Molecular consequence: missense variant.
Genome position (GRCh38, 1-based): chr17:59,677,096, A>G. VCF-style: chr17-59677096-A-G. GRCh37 (hg19) VCF-style: chr17-57754457-A-G.
Other names: c.2716A>G, p.Ser906Gly (NM_001288653.2); short protein forms S902G, S906G.
Identifiers: ClinVar variation 3640748 (VCV003640748.2).